The following is an entry in ClinVar:

NM_001144757.3(SCG5):c.72A>G (p.Ala24=)

Genes: ARHGAP11A-SCG5 (ARHGAP11A-SCG5 readthrough; plus strand), SCG5 (secretogranin V; plus strand). Cytogenetic location: 15q13.3.
Variant type: single nucleotide variant.
Coding change: c.72A>G on transcript NM_001144757.3 (MANE Select); coding-DNA position 72, A replaced by G.
Protein change: p.Ala24=; no amino-acid change (alanine 24 retained).
Molecular consequence: synonymous variant.
Genome position (GRCh38, 1-based): chr15:32,643,664, A>G. VCF-style: chr15-32643664-A-G. GRCh37 (hg19) VCF-style: chr15-32935865-A-G.
Other names: c.1314A>G, p.Ala438= (NM_001368319.1); c.72A>G, p.Ala24= (NM_001394278.1, NM_001394279.1, NM_003020.5).
Identifiers: ClinVar variation 2645126 (VCV002645126.24), dbSNP rs187406342, ClinGen allele CA268496941.

ClinVar aggregate classification (germline): Likely benign (1 of 4 stars; one submission).

Allele frequency attached by ClinVar (database versions not stated): 1000 Genomes Project 30x 0.00016; 1000 Genomes Project 0.00020; gnomAD 0.00001; TOPMed 0.00001; gnomAD exomes 0.00002.
gnomAD v4.1: 26 of 1,613,944 alleles (0.0016%); highest among the groups gnomAD compares: Middle Eastern, 0.033%; no homozygotes.

Submission:

CeGaT Center for Human Genetics Tuebingen
Classification: Likely benign. Last evaluated: 2023-09-01. Review status: criteria provided, single submitter. Criteria: CeGaT Center For Human Genetics Tuebingen Variant Classification Criteria Version 2. Collection method: clinical testing. Allele origin: germline. Affected: yes. Observed: 1 variant allele.
Comment: SCG5: BP4, BP7